The following is an entry in ClinVar:

ClinVar aggregate classification (germline): Uncertain significance (1 of 4 stars; one submission).

Conditions:
Maple syrup urine disease, mild variant (MSUDMV). Identifiers: Orphanet 511, MedGen C3554575, MONDO:0014057, OMIM 615135.

Submission:

Labcorp Genetics (formerly Invitae), Labcorp
Classification: Uncertain significance for Maple syrup urine disease, mild variant. Last evaluated: 2022-02-19. Review status: criteria provided, single submitter. Criteria: Invitae Variant Classification Sherloc (09022015). Collection method: clinical testing. Allele origin: germline.
Comment: Algorithms developed to predict the effect of missense changes on protein structure and function (SIFT, PolyPhen-2, Align-GVGD) all suggest that this variant is likely to be tolerated. This variant has not been reported in the literature in individuals affected with PPM1K-related conditions. This variant is not present in population databases (gnomAD no frequency). This sequence change replaces lysine, which is basic and polar, with arginine, which is basic and polar, at codon 216 of the PPM1K protein (p.Lys216Arg). In summary, the available evidence is currently insufficient to determine the role of this variant in disease. Therefore, it has been classified as a Variant of Uncertain Significance.

NM_152542.5(PPM1K):c.647A>G (p.Lys216Arg)

Gene: PPM1K (protein phosphatase, Mg2+/Mn2+ dependent 1K; minus strand). Cytogenetic location: 4q22.1.
Variant type: single nucleotide variant.
Coding change: c.647A>G on transcript NM_152542.5 (MANE Select); coding-DNA position 647, A replaced by G.
Protein change: p.Lys216Arg; replaces lysine 216 with arginine.
Molecular consequence: missense variant.
Genome position (GRCh38, 1-based): chr4:88,268,801, T>C on the plus strand (A>G on the coding strand, the complement: PPM1K is on the minus strand). VCF-style: chr4-88268801-T-C. GRCh37 (hg19) VCF-style: chr4-89189953-T-C.
Other names: short protein forms K216R.
Identifiers: ClinVar variation 2099392 (VCV002099392.4), dbSNP rs2476597744, ClinGen allele CA357706465.